The following is an entry in ClinVar:

NM_017934.7(PHIP):c.2966A>G (p.Lys989Arg)

Genes: IRAK1BP1 (interleukin 1 receptor associated kinase 1 binding protein 1; plus strand), PHIP (PHIP subunit of CUL4-Ring ligase complex; minus strand). Cytogenetic location: 6q14.1.
Variant type: single nucleotide variant.
Coding change: c.2966A>G on transcript NM_017934.7 (MANE Select); coding-DNA position 2966, A replaced by G.
Protein change: p.Lys989Arg; replaces lysine 989 with arginine.
Molecular consequence: missense variant.
Genome position (GRCh38, 1-based): chr6:78,970,812, T>C on the plus strand (A>G on the coding strand, the complement: PHIP is on the minus strand). VCF-style: chr6-78970812-T-C. GRCh37 (hg19) VCF-style: chr6-79680529-T-C.
Other names: short protein forms K989R.
Identifiers: ClinVar variation 2629344 (VCV002629344.4), dbSNP rs944956263, ClinGen allele CA141868377.

ClinVar aggregate classification (germline): Conflicting classifications of pathogenicity. Review status: criteria provided, conflicting classifications (1 of 4 stars). 2 submissions from 2 submitters: Uncertain significance (1); Likely benign (1). Last evaluated 2025-07-21.

Conditions:
PHIP-related disorder. Also called: PHIP-related condition; PHIP-related disorders.

Allele frequency attached by ClinVar (database versions not stated): gnomAD 0.00001; TOPMed 0.00001; gnomAD exomes 0.00002.
gnomAD v4.1: 35 of 1,610,580 alleles (0.0022%); highest among the groups gnomAD compares: African/African-American, 0.004%; no homozygotes.

Submissions (2):

Labcorp Genetics (formerly Invitae), Labcorp
Classification: Likely benign. Last evaluated: 2025-07-21. Review status: criteria provided, single submitter. Criteria: Invitae Variant Classification Sherloc (09022015). Collection method: clinical testing. Allele origin: germline.

PreventionGenetics, part of Exact Sciences
Classification: Uncertain significance for PHIP-related condition. Last evaluated: 2022-11-07. Review status: criteria provided, single submitter. Criteria: ACMG Guidelines, 2015. Collection method: clinical testing. Allele origin: germline.
Comment: The PHIP c.2966A>G variant is predicted to result in the amino acid substitution p.Lys989Arg. To our knowledge, this variant has not been reported in the literature. This variant is reported in 0.00088% of alleles in individuals of European (Non-Finnish) descent in gnomAD. At this time, the clinical significance of this variant is uncertain due to the absence of conclusive functional and genetic evidence.